The following is an entry in ClinVar:

ClinVar aggregate classification (germline): Uncertain significance (1 of 4 stars; one submission).

Conditions:
Epidermolysis bullosa simplex with nail dystrophy (EBS5D). Identifiers: MedGen C4225309, MONDO:0014661, OMIM 616487.
Autosomal recessive limb-girdle muscular dystrophy type 2Q (LGMDR17). Also called: MUSCULAR DYSTROPHY, LIMB-GIRDLE, AUTOSOMAL RECESSIVE 17. Identifiers: Orphanet 254361, MedGen C3150989, MONDO:0013390, OMIM 613723.
Epidermolysis bullosa simplex 5B, with muscular dystrophy (EBS5B). Also called: EPIDERMOLYSIS BULLOSA SIMPLEX AND LIMB-GIRDLE MUSCULAR DYSTROPHY; Epidermolysis bullosa simplex with muscular dystrophy. Identifiers: Orphanet 257, MedGen C2931072, MONDO:0009181, OMIM 226670.
Epidermolysis bullosa simplex, Ogna type (EBS5A). Also called: Pidermolysis bullosa simplex 5A, Ogna type; EPIDERMOLYSIS BULLOSA SIMPLEX 5A, OGNA TYPE. Identifiers: Orphanet 79401, MedGen C0432317, MONDO:0007555, OMIM 131950.
Epidermolysis bullosa simplex 5C, with pyloric atresia (EBS5C). Also called: PLEC-Related Epidermolysis Bullosa with Pyloric Atresia; Epidermolysis bullosa simplex with pyloric atresia; PLEC1-Related Epidermolysis Bullosa with Pyloric Atresia. Identifiers: Orphanet 158684, MedGen C2677349, MONDO:0012807, OMIM 612138.

Allele frequency attached by ClinVar (database versions not stated): gnomAD exomes 0.00001.
gnomAD v4.1: 7 of 1,612,638 alleles (0.00043%); highest among the groups gnomAD compares: Non-Finnish European, 0.00059%; no homozygotes.

Submission:

Labcorp Genetics (formerly Invitae), Labcorp
Classification: Uncertain significance for Autosomal recessive limb-girdle muscular dystrophy type 2Q; Epidermolysis bullosa simplex, Ogna type; Epidermolysis bullosa simplex with nail dystrophy; Epidermolysis bullosa simplex 5C, with pyloric atresia; Epidermolysis bullosa simplex 5B, with muscular dystrophy. Last evaluated: 2023-04-01. Review status: criteria provided, single submitter. Criteria: Invitae Variant Classification Sherloc (09022015). Collection method: clinical testing. Allele origin: germline.
Comment: In summary, the available evidence is currently insufficient to determine the role of this variant in disease. Therefore, it has been classified as a Variant of Uncertain Significance. Algorithms developed to predict the effect of sequence changes on RNA splicing suggest that this variant may create or strengthen a splice site. Advanced modeling of protein sequence and biophysical properties (such as structural, functional, and spatial information, amino acid conservation, physicochemical variation, residue mobility, and thermodynamic stability) has been performed at Invitae for this missense variant, however the output from this modeling did not meet the statistical confidence thresholds required to predict the impact of this variant on PLEC protein function. ClinVar contains an entry for this variant (Variation ID: 2130366). This variant has not been reported in the literature in individuals affected with PLEC-related conditions. This variant is not present in population databases (gnomAD no frequency). This sequence change replaces phenylalanine, which is neutral and non-polar, with isoleucine, which is neutral and non-polar, at codon 348 of the PLEC protein (p.Phe348Ile).

NM_201384.3(PLEC):c.961T>A (p.Phe321Ile)

Gene: PLEC (plectin; minus strand). Cytogenetic location: 8q24.3.
Variant type: single nucleotide variant.
Coding change: c.961T>A on transcript NM_201384.3 (MANE Select); coding-DNA position 961, T replaced by A.
Protein change: p.Phe321Ile; replaces phenylalanine 321 with isoleucine.
Molecular consequence: missense variant.
Genome position (GRCh38, 1-based): chr8:143,934,715, A>T on the plus strand (T>A on the coding strand, the complement: PLEC is on the minus strand). VCF-style: chr8-143934715-A-T. GRCh37 (hg19) VCF-style: chr8-145008883-A-T.
Other names: c.1042T>A, p.Phe348Ile (NM_000445.5, NM_001410941.1); c.919T>A, p.Phe307Ile (NM_201378.4); c.895T>A, p.Phe299Ile (NM_201379.3); c.1372T>A, p.Phe458Ile (NM_201380.4); c.865T>A, p.Phe289Ile (NM_201381.3); c.961T>A, p.Phe321Ile (NM_201382.4); c.973T>A, p.Phe325Ile (NM_201383.3); short protein forms F299I, F321I, F348I, F289I, F325I, F458I, F307I.
Identifiers: ClinVar variation 2130366 (VCV002130366.4), dbSNP rs2539003776, ClinGen allele CA372585696.
Genomic context (GRCh38, chr8:143,934,715, plus strand): 5'-CCTTGGACCTGTTCTTGTCGGCCTCCTTGGCTGGTAGCTCCATCTCCTTAAACTTCAGGA[A>T]CTGAGACCACAGGATCTGCCAGGGACGAGGCTGTCGGCAACCACGCCGGGCTCTCAGGGC-3'
Protein context (NP_958786.1, residues 311-331): FEEIEILWSQ[Phe321Ile]LKFKEMELPA